The following is an entry in ClinVar:

NM_000827.4(GRIA1):c.332C>T (p.Pro111Leu)

Gene: GRIA1 (glutamate ionotropic receptor AMPA type subunit 1; plus strand). Cytogenetic location: 5q33.2.
Variant type: single nucleotide variant.
Coding change: c.332C>T on transcript NM_000827.4 (MANE Select); coding-DNA position 332, C replaced by T.
Protein change: p.Pro111Leu; replaces proline 111 with leucine.
Molecular consequence: missense variant. On other transcripts: non-coding transcript variant (2), intron variant (1).
Genome position (GRCh38, 1-based): chr5:153,647,039, C>T. VCF-style: chr5-153647039-C-T. GRCh37 (hg19) VCF-style: chr5-153026599-C-T.
Other names: c.332C>T, p.Pro111Leu (NM_001114183.2, NM_001364165.2); c.47C>T, p.Pro16Leu (NM_001258020.2); c.362C>T, p.Pro121Leu (NM_001258021.2, NM_001258022.2); c.125C>T, p.Pro42Leu (NM_001258023.1, NM_001364167.2); c.359C>T, p.Pro120Leu (NM_001364166.2); c.221-3291C>T (NM_001258019.2); short protein forms P111L, P120L, P121L, P16L, P42L.
Identifiers: ClinVar variation 3233590 (VCV003233590.2), dbSNP rs1404893868, ClinGen allele CA361904923.

ClinVar aggregate classification (germline): Uncertain significance (1 of 4 stars; one submission).

Allele frequency attached by ClinVar (database versions not stated): gnomAD exomes below 0.00001; gnomAD 0.00001.
gnomAD v4.1: 3 of 1,613,830 alleles (0.00019%); highest among the groups gnomAD compares: African/African-American, 0.0013%; no homozygotes.

Submission:

Women's Health and Genetics/Laboratory Corporation of America, LabCorp
Classification: Uncertain significance. Last evaluated: 2024-03-28. Review status: criteria provided, single submitter. Criteria: LabCorp Variant Classification Summary - May 2015. Collection method: clinical testing. Allele origin: germline.
Comment: Variant summary: GRIA1 c.332C>T (p.Pro111Leu) results in a non-conservative amino acid change located in the Receptor, ligand binding region (IPR001828) of the encoded protein sequence. Three of three in-silico tools predict a damaging effect of the variant on protein function. The variant allele was found at a frequency of 4e-06 in 251290 control chromosomes. The available data on variant occurrences in the general population are insufficient to allow any conclusion about variant significance. To our knowledge, no occurrence of c.332C>T in individuals affected with Intellectual Developmental Disorder, Autosomal Dominant 67 and no experimental evidence demonstrating its impact on protein function have been reported. No submitters have cited clinical-significance assessments for this variant to ClinVar. Based on the evidence outlined above, the variant was classified as uncertain significance.